The following is an entry in ClinVar:

ClinVar aggregate classification (germline): Uncertain significance. Review status: criteria provided, multiple submitters, no conflicts (2 of 4 stars). 2 submissions from 2 submitters: Uncertain significance (2). Last evaluated 2023-09-29.

Conditions:
Hereditary cancer-predisposing syndrome. Also called: Tumor predisposition; Neoplastic Syndromes, Hereditary; Hereditary Cancer Syndrome; Hereditary neoplastic syndrome. Identifiers: Orphanet 140162, MedGen C0027672, MeSH D009386, MONDO:0015356.
Neuroblastoma, susceptibility to, 3. Also called: ALK-Related Neuroblastic Tumor Susceptibility. Identifiers: Orphanet 635, MedGen C2751681, MONDO:0013083, OMIM 613014.

Submissions (2):

Labcorp Genetics (formerly Invitae), Labcorp
Classification: Uncertain significance for Neuroblastoma, susceptibility to, 3. Last evaluated: 2023-09-29. Review status: criteria provided, single submitter. Criteria: Invitae Variant Classification Sherloc (09022015). Collection method: clinical testing. Allele origin: germline.
Comment: This sequence change replaces lysine, which is basic and polar, with asparagine, which is neutral and polar, at codon 1352 of the ALK protein (p.Lys1352Asn). This variant is not present in population databases (gnomAD no frequency). This variant has not been reported in the literature in individuals affected with ALK-related conditions. An algorithm developed to predict the effect of missense changes on protein structure and function (PolyPhen-2) suggests that this variant is likely to be disruptive. Algorithms developed to predict the effect of sequence changes on RNA splicing suggest that this variant may disrupt the consensus splice site. In summary, the available evidence is currently insufficient to determine the role of this variant in disease. Therefore, it has been classified as a Variant of Uncertain Significance.

Ambry Genetics
Classification: Uncertain significance for Hereditary cancer-predisposing syndrome. Last evaluated: 2023-08-26. Review status: criteria provided, single submitter. Criteria: Ambry Variant Classification Scheme 2023. Collection method: clinical testing. Allele origin: germline.
Comment: The p.K1352N variant (also known as c.4056G>T), located in coding exon 27 of the ALK gene, results from a G to T substitution at nucleotide position 4056. The lysine at codon 1352 is replaced by asparagine, an amino acid with similar properties. This amino acid position is conserved. In addition, this alteration is predicted to be tolerated by in silico analysis. Since supporting evidence is limited at this time, the clinical significance of this alteration remains unclear.

NM_004304.5(ALK):c.4056G>T (p.Lys1352Asn)

Gene: ALK (ALK receptor tyrosine kinase; minus strand). Cytogenetic location: 2p23.2.
Variant type: single nucleotide variant.
Coding change: c.4056G>T on transcript NM_004304.5 (MANE Select); coding-DNA position 4056, G replaced by T.
Protein change: p.Lys1352Asn; replaces lysine 1352 with asparagine.
Molecular consequence: missense variant.
Genome position (GRCh38, 1-based): chr2:29,197,559, C>A on the plus strand (G>T on the coding strand, the complement: ALK is on the minus strand). VCF-style: chr2-29197559-C-A. GRCh37 (hg19) VCF-style: chr2-29420425-C-A.
Other names: c.852G>T, p.Lys284Asn (NM_001353765.2); short protein forms K1352N, K284N.
Identifiers: ClinVar variation 2624785 (VCV002624785.5), dbSNP rs2148143244, ClinGen allele CA346465854.